The following is an entry in ClinVar:

ClinVar aggregate classification (germline): Conflicting classifications of pathogenicity. Review status: criteria provided, conflicting classifications (1 of 4 stars). 2 submissions from 2 submitters: Uncertain significance (1); Likely benign (1). Last evaluated 2023-03-23.

Conditions:
Hereditary cancer-predisposing syndrome. Also called: Neoplastic Syndromes, Hereditary; Tumor predisposition; Hereditary Cancer Syndrome; Hereditary neoplastic syndrome. Identifiers: Orphanet 140162, MedGen C0027672, MeSH D009386, MONDO:0015356.

Submissions (2):

University of Washington Department of Laboratory Medicine, University of Washington
Classification: Likely benign for Hereditary cancer-predisposing syndrome. Last evaluated: 2023-03-23. Review status: criteria provided, single submitter. Criteria: Dines et al. (Genet Med. 2020). Collection method: curation. Allele origin: germline.
Comment: Missense variant in a coldspot region where missense variants are very unlikely to be pathogenic (PMID:31911673).

BRCA2 exon 10 coldspot. Reclassification based on statistical prior probability.

Ambry Genetics
Classification: Uncertain significance for Hereditary cancer-predisposing syndrome. Last evaluated: 2019-06-05. Review status: criteria provided, single submitter. Criteria: Ambry Variant Classification Scheme 2023. Collection method: clinical testing. Allele origin: germline.
Comment: The p.E597D variant (also known as c.1791A>C), located in coding exon 9 of the BRCA2 gene, results from an A to C substitution at nucleotide position 1791. The glutamic acid at codon 597 is replaced by aspartic acid, an amino acid with highly similar properties. This amino acid position is not well conserved in available vertebrate species. In addition, this alteration is predicted to be tolerated by in silico analysis. Since supporting evidence is limited at this time, the clinical significance of this alteration remains unclear.

NM_000059.4(BRCA2):c.1791A>C (p.Glu597Asp)

Gene: BRCA2 (BRCA2 DNA repair associated; plus strand). Cytogenetic location: 13q13.1.
Variant type: single nucleotide variant.
Coding change: c.1791A>C on transcript NM_000059.4 (MANE Select); coding-DNA position 1791, A replaced by C.
Protein change: p.Glu597Asp; replaces glutamic acid 597 with aspartic acid.
Molecular consequence: missense variant.
Genome position (GRCh38, 1-based): chr13:32,333,269, A>C. VCF-style: chr13-32333269-A-C. GRCh37 (hg19) VCF-style: chr13-32907406-A-C.
Other names: c.1791A>C, p.Glu597Asp (NM_001406719.1, NM_001406720.1, NM_001406721.1); short protein forms E597D.
Identifiers: ClinVar variation 1780191 (VCV001780191.4), dbSNP rs2137474931, ClinGen allele CA387765788.